The following is an entry in ClinVar:

ClinVar aggregate classification (germline): Uncertain significance. Review status: criteria provided, multiple submitters, no conflicts (2 of 4 stars). 5 submissions from 4 submitters: Uncertain significance (5). Last evaluated 2022-08-11.

Conditions:
Inborn genetic diseases. Identifiers: MedGen C0950123, MeSH D030342.
Severe combined immunodeficiency due to DCLRE1C deficiency (RS-SCID). Also called: SCID, AUTOSOMAL RECESSIVE, T CELL-NEGATIVE, B CELL-NEGATIVE, NK CELL-POSITIVE, WITH SENSITIVITY TO IONIZING RADIATION. Identifiers: Orphanet 275, MedGen C1865371, MONDO:0011225, OMIM 602450.
DNA ligase IV deficiency. Identifiers: Orphanet 99812, MedGen C1847827, MONDO:0011686, OMIM 606593.

Allele frequency attached by ClinVar (database versions not stated): ExAC 0.00008; gnomAD 0.00008 and 0.00007; gnomAD exomes 0.00009 and 0.00005; TOPMed 0.00006; ESP Exome Variant Server 0.00008.
gnomAD v4.1: 89 of 1,613,956 alleles (0.0055%); highest among the groups gnomAD compares: Middle Eastern, 0.033%; no homozygotes.

Submissions (5):

Ambry Genetics
Classification: Uncertain significance for Inborn genetic diseases. Last evaluated: 2022-08-11. Review status: criteria provided, single submitter. Criteria: Ambry Variant Classification Scheme 2023. Collection method: clinical testing. Allele origin: germline.

Labcorp Genetics (formerly Invitae), Labcorp
Classification: Uncertain significance for DNA ligase IV deficiency. Last evaluated: 2022-06-24. Review status: criteria provided, single submitter. Criteria: Invitae Variant Classification Sherloc (09022015). Collection method: clinical testing. Allele origin: germline.
Comment: This sequence change replaces proline, which is neutral and non-polar, with alanine, which is neutral and non-polar, at codon 809 of the LIG4 protein (p.Pro809Ala). This variant is present in population databases (rs137899041, gnomAD 0.1%). This variant has not been reported in the literature in individuals affected with LIG4-related conditions. ClinVar contains an entry for this variant (Variation ID: 647972). Algorithms developed to predict the effect of missense changes on protein structure and function (SIFT, PolyPhen-2, Align-GVGD) all suggest that this variant is likely to be tolerated. In summary, the available evidence is currently insufficient to determine the role of this variant in disease. Therefore, it has been classified as a Variant of Uncertain Significance.

Genetic Services Laboratory, University of Chicago
Classification: Uncertain significance. Last evaluated: 2021-08-25. Review status: criteria provided, single submitter. Criteria: ACMG Guidelines, 2015. Collection method: clinical testing. Allele origin: germline. Affected: no.
Comment: DNA sequence analysis of the LIG4 gene demonstrated a sequence change, c.2425C>G, in exon 2 that results in an amino acid change, p.Pro809Ala. This sequence change does not appear to have been previously described in patients with LIG4-related disorders and has been described in the gnomAD database with a low population frequency of 0.0088% (dbSNP rs137899041). The p.Pro809Ala change affects a moderately conserved amino acid residue located in a domain of the LIG4 protein that is known to be functional. The p.Pro809Ala substitution appears to be benign using several in-silico pathogenicity prediction tools (SIFT, PolyPhen2, Align GVGD, REVEL). Due to these contrasting evidences and the lack of functional studies, the clinical significance of the p.Pro809Ala change remains unknown at this time.

Illumina Laboratory Services, Illumina
Classification: Uncertain significance for DNA ligase IV deficiency. Last evaluated: 2018-01-13. Review status: criteria provided, single submitter. Criteria: ICSL Variant Classification Criteria 13 December 2019. Collection method: clinical testing. Allele origin: germline.

Illumina Laboratory Services, Illumina
Classification: Uncertain significance for Severe combined immunodeficiency due to DCLRE1C deficiency. Last evaluated: 2018-01-13. Review status: criteria provided, single submitter. Criteria: ICSL Variant Classification Criteria 13 December 2019. Collection method: clinical testing. Allele origin: germline.

NM_206937.2(LIG4):c.2425C>G (p.Pro809Ala)

Gene: LIG4 (DNA ligase 4; minus strand). Cytogenetic location: 13q33.3.
Variant type: single nucleotide variant.
Coding change: c.2425C>G on transcript NM_206937.2 (MANE Select); coding-DNA position 2425, C replaced by G.
Protein change: p.Pro809Ala; replaces proline 809 with alanine.
Molecular consequence: missense variant.
Genome position (GRCh38, 1-based): chr13:108,208,844, G>C on the plus strand (C>G on the coding strand, the complement: LIG4 is on the minus strand). VCF-style: chr13-108208844-G-C. GRCh37 (hg19) VCF-style: chr13-108861192-G-C.
Other names: c.2425C>G, p.Pro809Ala (NM_001098268.2, NM_001352598.2, NM_001352599.2 and 6 more transcripts); c.2224C>G, p.Pro742Ala (NM_001330595.2); c.2461C>G, p.Pro821Ala (NM_001352604.2); short protein forms P742A, P809A, P821A.
Identifiers: ClinVar variation 647972 (VCV000647972.13), dbSNP rs137899041, ClinGen allele CA7043505.